The following is an entry in ClinVar:

ClinVar aggregate classification (germline): Conflicting classifications of pathogenicity. Review status: criteria provided, conflicting classifications (1 of 4 stars). 2 submissions from 2 submitters: Uncertain significance (1); Likely benign (1). Last evaluated 2020-11-25.

Conditions:
Colorectal cancer, hereditary nonpolyposis, type 7. Identifiers: Orphanet 144, MedGen C1858380, MONDO:0013725, OMIM 614385.

Allele frequency attached by ClinVar (database versions not stated): gnomAD exomes below 0.00001 and 0.00001; ExAC 0.00001; gnomAD 0.00001; TOPMed 0.00001.
gnomAD v4.1: 5 of 1,612,998 alleles (0.00031%); highest among the groups gnomAD compares: East Asian, 0.0022%; no homozygotes.

Submissions (2):

Ambry Genetics
Classification: Likely benign. Last evaluated: 2020-11-25. Review status: criteria provided, single submitter. Criteria: Ambry Variant Classification Scheme 2023. Collection method: clinical testing. Allele origin: germline.

Labcorp Genetics (formerly Invitae), Labcorp
Classification: Uncertain significance for Colorectal cancer, hereditary nonpolyposis, type 7. Last evaluated: 2016-12-26. Review status: criteria provided, single submitter. Criteria: Invitae Variant Classification Sherloc (09022015). Collection method: clinical testing. Allele origin: germline.
Comment: In summary, this variant is a rare missense change that is not predicted to affect protein function. There is no indication that it causes disease, but the available evidence is currently insufficient to prove that conclusively. Therefore, it has been classified as a Variant of Uncertain Significance. Algorithms developed to predict the effect of missense changes on protein structure and function output the following: (SIFT: "Tolerated"; PolyPhen-2: "Benign"; Align-GVGD: "Class C0"). The serine amino acid residue is found in multiple mammalian species, suggesting that this missense change does not adversely affect protein function. These predictions have not been confirmed by published functional studies. This variant is present in population databases (rs769209737, ExAC 0.01%) but has not been reported in the literature in individuals with an MLH3-related disease. This sequence change replaces asparagine with serine at codon 389 of the MLH3 protein (p.Asn389Ser). The asparagine residue is weakly conserved and there is a small physicochemical difference between asparagine and serine.

NM_001040108.2(MLH3):c.1166A>G (p.Asn389Ser)

Gene: MLH3 (mutL homolog 3; minus strand). Cytogenetic location: 14q24.3.
Variant type: single nucleotide variant.
Coding change: c.1166A>G on transcript NM_001040108.2 (MANE Select); coding-DNA position 1166, A replaced by G.
Protein change: p.Asn389Ser; replaces asparagine 389 with serine.
Molecular consequence: missense variant.
Genome position (GRCh38, 1-based): chr14:75,048,490, T>C on the plus strand (A>G on the coding strand, the complement: MLH3 is on the minus strand). VCF-style: chr14-75048490-T-C. GRCh37 (hg19) VCF-style: chr14-75515193-T-C.
Other names: c.1166A>G, p.Asn389Ser (NM_014381.3); short protein forms N389S.
Identifiers: ClinVar variation 410898 (VCV000410898.11), dbSNP rs769209737, ClinGen allele CA7275909.
Genomic context (GRCh38, chr14:75,048,490, plus strand): 5'-TTTGACTGCAAATTAAACATCTCATAGGAATCTAAAATATTATTACATGCTTCCTGGAAA[T>C]TGCTCCTCTCATCGGAAGTCACACGCTTCTGAAGAGTAGCATCAAATAAACTAAAACCAT-3'
Protein context (NP_001035197.1, residues 379-399): QKRVTSDERS[Asn389Ser]FQEACNNILD